The following is an entry in ClinVar:

NM_000179.3(MSH6):c.3536C>A (p.Ala1179Asp)

Gene: MSH6 (mutS homolog 6; plus strand). Cytogenetic location: 2p16.3.
Variant type: single nucleotide variant.
Coding change: c.3536C>A on transcript NM_000179.3 (MANE Select); coding-DNA position 3536, C replaced by A.
Protein change: p.Ala1179Asp; replaces alanine 1179 with aspartic acid.
Molecular consequence: missense variant.
Genome position (GRCh38, 1-based): chr2:47,805,007, C>A. VCF-style: chr2-47805007-C-A. GRCh37 (hg19) VCF-style: chr2-48032146-C-A.
Other names: c.3146C>A, p.Ala1049Asp (NM_001281492.2); c.2630C>A, p.Ala877Asp (NM_001281493.2, NM_001281494.2); short protein forms A1179D, A1049D, A877D.
Identifiers: ClinVar variation 525787 (VCV000525787.11), dbSNP rs773583312, ClinGen allele CA071136.
Genomic context (GRCh38, chr2:47,805,007, plus strand): 5'-ACGTCCCTGCTGAAGTGTGCAGGCTCACACCAATTGATAGAGTGTTTACTAGACTTGGTG[C>A]CTCAGACAGAATAATGTCAGGTGAGTTTTTTGTTTCCCACTTAAGTTCTCATTCAGTCAT-3'
Protein context (NP_000170.1, residues 1169-1189): PIDRVFTRLG[Ala1179Asp]SDRIMSGEST

ClinVar aggregate classification (germline): Uncertain significance. Review status: criteria provided, multiple submitters, no conflicts (2 of 4 stars). 3 submissions from 3 submitters: Uncertain significance (3). Last evaluated 2024-12-13.

Conditions:
Hereditary nonpolyposis colorectal neoplasms. Identifiers: MedGen C0009405, MeSH D003123.
Hereditary cancer-predisposing syndrome. Also called: Neoplastic Syndromes, Hereditary; Tumor predisposition; Hereditary Cancer Syndrome; Hereditary neoplastic syndrome. Identifiers: Orphanet 140162, MedGen C0027672, MeSH D009386, MONDO:0015356.

Allele frequency attached by ClinVar (database versions not stated): gnomAD exomes below 0.00001; ExAC 0.00001.

Submissions (3):

Ambry Genetics
Classification: Uncertain significance for Hereditary cancer-predisposing syndrome. Last evaluated: 2024-12-13. Review status: criteria provided, single submitter. Criteria: Ambry Variant Classification Scheme 2023. Collection method: clinical testing. Allele origin: germline.
Comment: The p.A1179D variant (also known as c.3536C>A), located in coding exon 6 of the MSH6 gene, results from a C to A substitution at nucleotide position 3536. The alanine at codon 1179 is replaced by aspartic acid, an amino acid with dissimilar properties. This amino acid position is conserved. In addition, this alteration is predicted to be deleterious by in silico analysis. Based on the available evidence, the clinical significance of this variant remains unclear.

Sema4
Classification: Uncertain significance for Hereditary cancer-predisposing syndrome. Last evaluated: 2021-12-29. Review status: criteria provided, single submitter. Criteria: Sema4 Curation Guidelines. Collection method: curation. Allele origin: germline.
Comment: The MSH6 c.3536C>A (p.A1179D) variant has not been reported in the literature to our knowledge. It was observed in 1/34556 chromosomes of the Latino/Admixed American subpopulation in the large and broad cohorts of the Genome Aggregation Database (PMID: 32461654). This variant has been reported in ClinVar (Variation ID 525787). In silico tools suggest the impact of the variant on protein function is deleterious, though these predictions have not been confirmed by functional studies. The evidence is insufficient to meet ACMG/AMP criteria for classifying the variant as benign or pathogenic. Thus, the clinical significance of this variant is currently uncertain.

Labcorp Genetics (formerly Invitae), Labcorp
Classification: Uncertain significance for Hereditary nonpolyposis colorectal neoplasms. Last evaluated: 2017-08-24. Review status: criteria provided, single submitter. Criteria: Invitae Variant Classification Sherloc (09022015). Collection method: clinical testing. Allele origin: germline.
Comment: Algorithms developed to predict the effect of missense changes on protein structure and function (SIFT, PolyPhen-2, Align-GVGD) all suggest that this variant is likely to be disruptive, but these predictions have not been confirmed by published functional studies. In summary, this variant is a rare missense change with uncertain impact on protein function. There is no indication that it causes disease, but the available evidence is currently insufficient to prove that conclusively. Therefore, it has been classified as a Variant of Uncertain Significance. This variant is present in population databases (rs773583312, ExAC 0.009%) but has not been reported in the literature in individuals with a MSH6-related disease. This sequence change replaces alanine with aspartic acid at codon 1179 of the MSH6 protein (p.Ala1179Asp). The alanine residue is highly conserved and there is a moderate physicochemical difference between alanine and aspartic acid.